The following is an entry in ClinVar:

NM_001042432.2(CLN3):c.8G>A (p.Gly3Asp)

Gene: CLN3 (CLN3 lysosomal/endosomal transmembrane protein, battenin; minus strand). Cytogenetic location: 16p12.1.
Variant type: single nucleotide variant.
Coding change: c.8G>A on transcript NM_001042432.2 (MANE Select); coding-DNA position 8, G replaced by A.
Protein change: p.Gly3Asp; replaces glycine 3 with aspartic acid.
Molecular consequence: missense variant. On other transcripts: 5 prime UTR variant (3).
Genome position (GRCh38, 1-based): chr16:28,491,752, C>T on the plus strand (G>A on the coding strand, the complement: CLN3 is on the minus strand). VCF-style: chr16-28491752-C-T. GRCh37 (hg19) VCF-style: chr16-28503073-C-T.
Other names: c.8G>A, p.Gly3Asp (NM_000086.2, NM_001286104.2); c.-134G>A (NM_001286105.2); c.-76G>A (NM_001286109.2, NM_001286110.2); short protein forms G3D.
Identifiers: ClinVar variation 409279 (VCV000409279.3), dbSNP rs756062000, ClinGen allele CA7981126.

ClinVar aggregate classification (germline): Uncertain significance. Review status: criteria provided, single submitter (1 of 4 stars). 2 submissions from 2 submitters: Uncertain significance (1). 1 of the submissions does not count toward it. Last evaluated 2022-08-15.

Conditions:
Juvenile neuronal ceroid lipofuscinosis. Also called: Batten Disease. Identifiers: Orphanet 79264, MedGen CN293564, MONDO:0019262.
Neuronal ceroid lipofuscinosis. Also called: Neuronal Ceroid Lipofuscinoses. Identifiers: Orphanet 216, Orphanet 79263, MedGen C0027877, MONDO:0016295. Disease mechanism: loss of function.

Allele frequency attached by ClinVar (database versions not stated): TOPMed below 0.00001; gnomAD exomes 0.00001; ExAC 0.00002.
gnomAD v4.1: 3 of 1,613,948 alleles (0.00019%); highest among the groups gnomAD compares: South Asian, 0.0011%; no homozygotes.

Submissions (2):

Labcorp Genetics (formerly Invitae), Labcorp
Classification: Uncertain significance for Neuronal ceroid lipofuscinosis. Last evaluated: 2022-08-15. Review status: criteria provided, single submitter. Criteria: Invitae Variant Classification Sherloc (09022015). Collection method: clinical testing. Allele origin: germline.
Comment: This sequence change replaces glycine, which is neutral and non-polar, with aspartic acid, which is acidic and polar, at codon 3 of the CLN3 protein (p.Gly3Asp). This variant is present in population databases (rs756062000, gnomAD 0.003%). This variant has not been reported in the literature in individuals affected with CLN3-related conditions. ClinVar contains an entry for this variant (Variation ID: 409279). Algorithms developed to predict the effect of missense changes on protein structure and function (SIFT, PolyPhen-2, Align-GVGD) all suggest that this variant is likely to be tolerated. In summary, the available evidence is currently insufficient to determine the role of this variant in disease. Therefore, it has been classified as a Variant of Uncertain Significance.

Natera, Inc.
Classification: Uncertain significance for Batten Disease. Last evaluated: 2025-01-30. Review status: no assertion criteria provided. Collection method: clinical testing. Allele origin: germline. Not counted in ClinVar's aggregate classification.